The following is an entry in ClinVar:

NM_004260.4(RECQL4):c.2584T>A (p.Ser862Thr)

Gene: RECQL4 (RecQ like helicase 4; minus strand). Cytogenetic location: 8q24.3.
Variant type: single nucleotide variant.
Coding change: c.2584T>A on transcript NM_004260.4 (MANE Select); coding-DNA position 2584, T replaced by A.
Protein change: p.Ser862Thr; replaces serine 862 with threonine.
Molecular consequence: missense variant.
Genome position (GRCh38, 1-based): chr8:144,513,018, A>T on the plus strand (T>A on the coding strand, the complement: RECQL4 is on the minus strand). VCF-style: chr8-144513018-A-T. GRCh37 (hg19) VCF-style: chr8-145738401-A-T.
Other names: c.2290T>A, p.Ser764Thr (NM_001413017.1); c.2386T>A, p.Ser796Thr (NM_001413018.1); c.2584T>A, p.Ser862Thr (NM_001413019.1, NM_001413036.1); c.2488T>A, p.Ser830Thr (NM_001413020.1); c.1513T>A, p.Ser505Thr (NM_001413021.1, NM_001413022.1, NM_001413023.1 and 5 more transcripts); c.2455T>A, p.Ser819Thr (NM_001413025.1); c.1447T>A, p.Ser483Thr (NM_001413027.1, NM_001413030.1, NM_001413032.1 and 1 more transcripts); c.2233T>A, p.Ser745Thr (NM_001413029.1); and 6 more; short protein forms S461T, S495T, S745T, S830T, S852T, S373T, S439T, S483T.
Identifiers: ClinVar variation 1996002 (VCV001996002.1), dbSNP rs2130671761, ClinGen allele CA372676965.
Genomic context (GRCh38, chr8:144,513,018, plus strand): 5'-CCTCTTGAGGGGGGTACTTGGGCACAGGCCTCTCCCCACCCACGGCCCCTTCCTGCTCCG[A>T]GGGCGGCCTGGTGCAGGTGCAGGTGCAGGCTGGGAACACGCGCTGTACCAGCCTCTTCAC-3'
Protein context (NP_004251.4, residues 852-872): ACTCTCTRPP[Ser862Thr]EQEGAVGGER

ClinVar aggregate classification (germline): Uncertain significance (1 of 4 stars; one submission).

Conditions:
Baller-Gerold syndrome (BGS). Also called: CRANIOSYNOSTOSIS WITH RADIAL DEFECTS. Identifiers: Orphanet 1225, MedGen C0265308, MONDO:0009039, OMIM 218600.

Submission:

Labcorp Genetics (formerly Invitae), Labcorp
Classification: Uncertain significance for Baller-Gerold syndrome. Last evaluated: 2022-05-18. Review status: criteria provided, single submitter. Criteria: Invitae Variant Classification Sherloc (09022015). Collection method: clinical testing. Allele origin: germline.
Comment: This sequence change replaces serine, which is neutral and polar, with threonine, which is neutral and polar, at codon 862 of the RECQL4 protein (p.Ser862Thr). This variant is not present in population databases (gnomAD no frequency). This variant has not been reported in the literature in individuals affected with RECQL4-related conditions. Experimental studies and prediction algorithms are not available or were not evaluated, and the functional significance of this variant is currently unknown. In summary, the available evidence is currently insufficient to determine the role of this variant in disease. Therefore, it has been classified as a Variant of Uncertain Significance.